The following is an entry in ClinVar:

NM_201384.3(PLEC):c.10486GAG[1] (p.Glu3497del)

Gene: PLEC (plectin; minus strand). Cytogenetic location: 8q24.3.
Variant type: Microsatellite.
Coding change: c.10486GAG[1] on transcript NM_201384.3 (MANE Select); one copy of the 3-base unit GAG starting at c.10486; the reference has two copies in a row; one copy, 3 bases deleted.
Protein change: p.Glu3497del; deletes glutamic acid 3497.
Molecular consequence: inframe deletion.
Genome position (GRCh38, 1-based): chr8:143,919,330-143,919,332, CTC deleted on the plus strand (GAG on the coding strand, the reverse complement: PLEC is on the minus strand); deleting any 3 consecutive bases within chr8:143,919,330-143,919,335 gives the same sequence; the position shown is the placement nearest the transcript's 3' end. VCF-style (leftmost placement, unchanged base first): chr8-143919329-TCTC-T. GRCh37 (hg19) VCF-style: chr8-144993497-TCTC-T.
Other names: c.10567GAG[1], p.Glu3524del (NM_000445.5); c.7186GAG[1], p.Glu2397del (NM_001410941.1); c.10444GAG[1], p.Glu3483del (NM_201378.4); c.10420GAG[1], p.Glu3475del (NM_201379.3); c.10897GAG[1], p.Glu3634del (NM_201380.4); c.10390GAG[1], p.Glu3465del (NM_201381.3); c.10486GAG[1], p.Glu3497del (NM_201382.4); c.10498GAG[1], p.Glu3501del (NM_201383.3); short protein forms E3483del, E3497del, E3524del, E2397del, E3475del, E3501del, E3465del, E3634del.
Identifiers: ClinVar variation 2925782 (VCV002925782.3), dbSNP rs1554677904, ClinGen allele CA586158213.

ClinVar aggregate classification (germline): Uncertain significance (1 of 4 stars; one submission).

Conditions:
Epidermolysis bullosa simplex with nail dystrophy (EBS5D). Identifiers: MedGen C4225309, MONDO:0014661, OMIM 616487.
Epidermolysis bullosa simplex, Ogna type (EBS5A). Also called: EPIDERMOLYSIS BULLOSA SIMPLEX 5A, OGNA TYPE; Pidermolysis bullosa simplex 5A, Ogna type. Identifiers: Orphanet 79401, MedGen C0432317, MONDO:0007555, OMIM 131950.
Epidermolysis bullosa simplex 5C, with pyloric atresia (EBS5C). Also called: PLEC1-Related Epidermolysis Bullosa with Pyloric Atresia; PLEC-Related Epidermolysis Bullosa with Pyloric Atresia; Epidermolysis bullosa simplex with pyloric atresia. Identifiers: Orphanet 158684, MedGen C2677349, MONDO:0012807, OMIM 612138.
Autosomal recessive limb-girdle muscular dystrophy type 2Q (LGMDR17). Also called: MUSCULAR DYSTROPHY, LIMB-GIRDLE, AUTOSOMAL RECESSIVE 17. Identifiers: Orphanet 254361, MedGen C3150989, MONDO:0013390, OMIM 613723.
Epidermolysis bullosa simplex 5B, with muscular dystrophy (EBS5B). Also called: EPIDERMOLYSIS BULLOSA SIMPLEX AND LIMB-GIRDLE MUSCULAR DYSTROPHY; Epidermolysis bullosa simplex with muscular dystrophy. Identifiers: Orphanet 257, MedGen C2931072, MONDO:0009181, OMIM 226670.

Submission:

Labcorp Genetics (formerly Invitae), Labcorp
Classification: Uncertain significance for Autosomal recessive limb-girdle muscular dystrophy type 2Q; Epidermolysis bullosa simplex, Ogna type; Epidermolysis bullosa simplex with nail dystrophy; Epidermolysis bullosa simplex 5C, with pyloric atresia; Epidermolysis bullosa simplex 5B, with muscular dystrophy. Last evaluated: 2024-10-19. Review status: criteria provided, single submitter. Criteria: Invitae Variant Classification Sherloc (09022015). Collection method: clinical testing. Allele origin: germline.
Comment: This variant, c.10570_10572del, results in the deletion of 1 amino acid(s) of the PLEC protein (p.Glu3524del), but otherwise preserves the integrity of the reading frame. This variant is present in population databases (no rsID available, gnomAD 0.0009%). This variant has not been reported in the literature in individuals affected with PLEC-related conditions. Experimental studies and prediction algorithms are not available or were not evaluated, and the functional significance of this variant is currently unknown. In summary, the available evidence is currently insufficient to determine the role of this variant in disease. Therefore, it has been classified as a Variant of Uncertain Significance.